The following is an entry in ClinVar:

ClinVar aggregate classification (germline): Uncertain significance (1 of 4 stars; one submission).

Submission:

Labcorp Genetics (formerly Invitae), Labcorp
Classification: Uncertain significance. Last evaluated: 2022-11-02. Review status: criteria provided, single submitter. Criteria: Invitae Variant Classification Sherloc (09022015). Collection method: clinical testing. Allele origin: unknown.
Comment: In summary, the available evidence is currently insufficient to determine the role of this variant in disease. Therefore, it has been classified as a Variant of Uncertain Significance. Experimental studies and prediction algorithms are not available or were not evaluated, and the functional significance of this variant is currently unknown. This variant has not been reported in the literature in individuals affected with CHD8-related conditions. This variant results in a copy number gain of the genomic region encompassing exon(s) 5-37 of the CHD8 gene. This region includes the termination codon of the gene. This copy number gain extends beyond the assayed region for this gene and therefore may encompass additional genes. As the precise location of this event is unknown, it may be in tandem or it may be located elsewhere in the genome.

NC_000014.8:g.(?_21756136)_(21884086_?)dup

Genes: CHD8 (chromodomain helicase DNA binding protein 8; minus strand), RPGRIP1 (RPGR interacting protein 1; plus strand), SUPT16H (SPT16 homolog, facilitates chromatin remodeling subunit; minus strand). Cytogenetic location: 14q11.2.
Variant type: Duplication.
Identifiers: ClinVar variation 3244074 (VCV003244074.1).